The following is an entry in ClinVar:

NM_000516.7(GNAS):c.1154G>A (p.Arg385His)

Gene: GNAS (GNAS complex locus; plus strand). Cytogenetic location: 20q13.32.
Variant type: single nucleotide variant.
Coding change: c.1154G>A on transcript NM_000516.7 (MANE Select); coding-DNA position 1154, G replaced by A.
Protein change: p.Arg385His; replaces arginine 385 with histidine.
Molecular consequence: missense variant. On other transcripts: 3 prime UTR variant (2).
Genome position (GRCh38, 1-based): chr20:58,910,798, G>A. VCF-style: chr20-58910798-G-A. GRCh37 (hg19) VCF-style: chr20-57485853-G-A.
Other names: c.1157G>A, p.Arg386His (NM_001077488.5); c.1109G>A, p.Arg370His (NM_001077489.4); c.*1015G>A (NM_001077490.3); c.977G>A, p.Arg326His (NM_001309840.2, NM_001309861.2); c.1058G>A, p.Arg353His (NM_001410912.1); c.3038G>A, p.Arg1013His (NM_001410913.1); c.*1060G>A (NM_016592.5); c.3083G>A, p.Arg1028His (NM_080425.4); and 1 more; short protein forms R1013H, R1028H, R326H, R353H, R370H, R371H, R385H, R386H.
Identifiers: ClinVar variation 2502531 (VCV002502531.3), dbSNP rs2146306727, ClinGen allele CA409453944.

ClinVar aggregate classification (germline): Pathogenic. Review status: criteria provided, multiple submitters, no conflicts (2 of 4 stars). 2 submissions from 2 submitters: Pathogenic (2). Last evaluated 2026-01-26.

Conditions:
Inborn genetic diseases. Identifiers: MedGen C0950123, MeSH D030342.

Submissions (2):

GeneDx
Classification: Pathogenic. Last evaluated: 2026-01-26. Review status: criteria provided, single submitter. Criteria: GeneDx Variant Classification Process June 2021. Collection method: clinical testing. Allele origin: germline.
Comment: Published functional studies demonstrate a damaging effect: R385H causes a coupling receptor defect (PMID: 7523385); Not observed at significant frequency in large population cohorts (gnomAD); In silico analysis supports that this missense variant has a deleterious effect on protein structure/function; This variant is associated with the following publications: (PMID: 18250541, 31886927, 11588148, 7523385)

Ambry Genetics
Classification: Pathogenic for Inborn genetic diseases. Last evaluated: 2025-06-09. Review status: criteria provided, single submitter. Criteria: Ambry Variant Classification Scheme 2023. Collection method: clinical testing. Allele origin: germline.
Comment: The c.1154G>A (p.R385H) alteration is located in exon 13 (coding exon 13) of the GNAS gene. This alteration results from a G to A substitution at nucleotide position 1154, causing the arginine (R) at amino acid position 385 to be replaced by a histidine (H). for pseudohypoparathyroidism; however, its clinical significance for McCune-Albright syndrome is uncertain. This variant was not reported in population-based cohorts in the Genome Aggregation Database (gnomAD). This variant was reported in individual(s) with features consistent with pseudohypoparathyroidism (Schwindinger, 1994; Tamada, 2008; Snanoudj, 2020; external communication). This amino acid position is highly conserved in available vertebrate species. This missense alteration is located in a region that has a low rate of benign missense variation (Lek, 2016; Firth, 2009). In an assay testing GNAS function, this variant showed a functionally abnormal result (Schwindinger, 1994). This alteration is predicted to be deleterious by in silico analysis. Based on the available evidence, this alteration is classified as pathogenic.

Literature cited by the submitters: PubMed 7523385 (cited by Ambry Genetics); PubMed 18250541 (cited by Ambry Genetics); PubMed 31886927 (cited by Ambry Genetics).